The following is an entry in ClinVar:

ClinVar aggregate classification (germline): Uncertain significance (1 of 4 stars; one submission).

Conditions:
Rhabdoid tumor predisposition syndrome 2 (RTPS2). Identifiers: Orphanet 231108, Orphanet 69077, MedGen C2750074, MONDO:0013224, OMIM 613325.

Submission:

Labcorp Genetics (formerly Invitae), Labcorp
Classification: Uncertain significance for Rhabdoid tumor predisposition syndrome 2. Last evaluated: 2024-02-04. Review status: criteria provided, single submitter. Criteria: Invitae Variant Classification Sherloc (09022015). Collection method: clinical testing. Allele origin: germline.
Comment: This sequence change replaces arginine, which is basic and polar, with leucine, which is neutral and non-polar, at codon 1443 of the SMARCA4 protein (p.Arg1443Leu). This variant is not present in population databases (gnomAD no frequency). This variant has not been reported in the literature in individuals affected with SMARCA4-related conditions. Advanced modeling of protein sequence and biophysical properties (such as structural, functional, and spatial information, amino acid conservation, physicochemical variation, residue mobility, and thermodynamic stability) performed at Invitae indicates that this missense variant is expected to disrupt SMARCA4 protein function with a positive predictive value of 95%. In summary, the available evidence is currently insufficient to determine the role of this variant in disease. Therefore, it has been classified as a Variant of Uncertain Significance.

NM_003072.5(SMARCA4):c.4232G>T (p.Arg1411Leu)

Gene: SMARCA4 (SWI/SNF related BAF chromatin remodeling complex subunit ATPase 4; plus strand). Cytogenetic location: 19p13.2.
Variant type: single nucleotide variant.
Coding change: c.4232G>T on transcript NM_003072.5 (MANE Select); coding-DNA position 4232, G replaced by T.
Protein change: p.Arg1411Leu; replaces arginine 1411 with leucine.
Molecular consequence: missense variant. On other transcripts: non-coding transcript variant (1).
Genome position (GRCh38, 1-based): chr19:11,041,368, G>T. VCF-style: chr19-11041368-G-T. GRCh37 (hg19) VCF-style: chr19-11152044-G-T.
Other names: c.4232G>T, p.Arg1411Leu (NM_001128844.3); c.4142G>T, p.Arg1381Leu (NM_001128845.2, NM_001128846.2); c.4133G>T, p.Arg1378Leu (NM_001128847.4, NM_001128848.2, NM_001374457.1); c.4328G>T, p.Arg1443Leu (NM_001128849.3, NM_001387283.1); c.4229G>T, p.Arg1410Leu (NM_001411150.1); short protein forms R1378L, R1410L, R1443L, R1381L, R1411L.
Identifiers: ClinVar variation 3636887 (VCV003636887.2).